The following is an entry in ClinVar:

NM_016277.5(RAB23):c.110A>G (p.Asp37Gly)

Gene: RAB23 (RAB23, member RAS oncogene family; minus strand). Cytogenetic location: 6p11.2.
Variant type: single nucleotide variant.
Coding change: c.110A>G on transcript NM_016277.5 (MANE Select); coding-DNA position 110, A replaced by G.
Protein change: p.Asp37Gly; replaces aspartic acid 37 with glycine.
Molecular consequence: missense variant. On other transcripts: non-coding transcript variant (1).
Genome position (GRCh38, 1-based): chr6:57,210,271, T>C on the plus strand (A>G on the coding strand, the complement: RAB23 is on the minus strand). VCF-style: chr6-57210271-T-C. GRCh37 (hg19) VCF-style: chr6-57075069-T-C.
Other names: c.110A>G, p.Asp37Gly (NM_001278668.2, NM_183227.3, NM_001278666.2 and 1 more transcripts); short protein forms D37G.
Identifiers: ClinVar variation 4997752 (VCV004997752.1).

ClinVar aggregate classification (germline): Uncertain significance (1 of 4 stars; one submission).

Conditions:
RAB23-related disorder. Also called: RAB23-related condition.

Submission:

PreventionGenetics, part of Exact Sciences
Classification: Uncertain significance for RAB23-related condition. Last evaluated: 2025-01-29. Review status: criteria provided, single submitter. Criteria: ACMG Guidelines, 2015. Collection method: clinical testing. Allele origin: germline.
Comment: The RAB23 c.110A>G variant is predicted to result in the amino acid substitution p.Asp37Gly. To our knowledge, this variant has not been reported in the literature or in a large population database (gnomAD), indicating this variant is rare. At this time, the clinical significance of this variant is uncertain due to the absence of conclusive functional and genetic evidence.